The following is an entry in ClinVar:

NM_001849.4(COL6A2):c.498C>T (p.Thr166=)

Gene: COL6A2 (collagen type VI alpha 2 chain; plus strand). Cytogenetic location: 21q22.3.
Variant type: single nucleotide variant.
Coding change: c.498C>T on transcript NM_001849.4 (MANE Select); coding-DNA position 498, C replaced by T.
Protein change: p.Thr166=; no amino-acid change (threonine 166 retained).
Molecular consequence: synonymous variant.
Genome position (GRCh38, 1-based): chr21:46,112,361, C>T. VCF-style: chr21-46112361-C-T. GRCh37 (hg19) VCF-style: chr21-47532275-C-T.
Other names: c.498C>T, p.Thr166= (NM_058174.3, NM_058175.3).
Identifiers: ClinVar variation 783086 (VCV000783086.36), dbSNP rs762436629, ClinGen allele CA10071312.

ClinVar aggregate classification (germline): Likely benign. Review status: criteria provided, multiple submitters, no conflicts (2 of 4 stars). 3 submissions from 3 submitters: Likely benign (3). Last evaluated 2025-09-14.

Conditions:
Bethlem myopathy 1A. Also called: MYOPATHY, BENIGN CONGENITAL, WITH CONTRACTURES; Bethlem Muscular Dystrophy; Bethlem myopathy 1. Identifiers: Orphanet 610, MedGen CN029274, MONDO:0024530, OMIM 158810.

Allele frequency attached by ClinVar (database versions not stated): gnomAD 0.00001; TOPMed 0.00002; ExAC 0.00003; gnomAD exomes 0.00004.
gnomAD v4.1: 34 of 1,608,430 alleles (0.0021%); highest among the groups gnomAD compares: Admixed American, 0.0084%; no homozygotes.

Submissions (3):

Labcorp Genetics (formerly Invitae), Labcorp
Classification: Likely benign for Bethlem myopathy 1A. Last evaluated: 2025-09-14. Review status: criteria provided, single submitter. Criteria: Invitae Variant Classification Sherloc (09022015). Collection method: clinical testing. Allele origin: germline.

Blueprint Genetics
Classification: Likely benign. Last evaluated: 2023-12-22. Review status: criteria provided, single submitter. Criteria: ACMG Guidelines, 2015. Collection method: clinical testing. Allele origin: germline.

CeGaT Center for Human Genetics Tuebingen
Classification: Likely benign. Last evaluated: 2023-05-01. Review status: criteria provided, single submitter. Criteria: CeGaT Center For Human Genetics Tuebingen Variant Classification Criteria Version 2. Collection method: clinical testing. Allele origin: germline. Affected: yes. Observed: 1 variant allele.
Comment: COL6A2: BP4, BP7